The following is an entry in ClinVar:

ClinVar aggregate classification (germline): Pathogenic (1 of 4 stars; one submission).

Conditions:
Familial cancer of breast. Also called: BREAST CANCER, FAMILIAL; Hereditary breast cancer; hereditary breast carcinoma. Identifiers: Orphanet 227535, MedGen C0346153, MONDO:0016419, OMIM 114480. Disease mechanism: loss of function.

Submission:

Myriad Genetics, Inc.
Classification: Pathogenic for Familial cancer of breast. Last evaluated: 2024-01-05. Review status: criteria provided, single submitter. Criteria: Myriad Autosomal Dominant, Autosomal Recessive and X-Linked Classification Criteria (2023). Collection method: clinical testing. Allele origin: unknown.
Comment: This variant is considered pathogenic. This variant creates a frameshift predicted to result in premature protein truncation.

NC_000011.10:g.108227776_108227782del

Gene: ATM (ATM serine/threonine kinase; plus strand). Cytogenetic location: 11q22.3.
Variant type: Deletion.
Genome position: GRCh38 VCF-style: chr11-108227773-CAGAAAGA-C. GRCh37 (hg19) VCF-style: chr11-108098500-CAGAAAGA-C.
Identifiers: ClinVar variation 3148326 (VCV003148326.1), dbSNP rs2496893600, ClinGen allele CA2825001740.